The following is an entry in ClinVar:

ClinVar aggregate classification (germline): Uncertain significance. Review status: criteria provided, multiple submitters, no conflicts (2 of 4 stars). 7 submissions from 5 submitters: Uncertain significance (7). Last evaluated 2026-02-01.

Conditions:
Joubert syndrome. Also called: JOUBERT-BOLTSHAUSER SYNDROME; Familial aplasia of the vermis. Identifiers: Orphanet 475, MedGen C5979921, MONDO:0018772.
Meckel-Gruber syndrome. Also called: Dysencephalia splachnocystica; DYSENCEPHALIA SPLANCHNOCYSTICA; GRUBER SYNDROME. Identifiers: Orphanet 564, MedGen C0265215, MONDO:0018921.
Inborn genetic diseases. Identifiers: MedGen C0950123, MeSH D030342.
COACH syndrome 1. Identifiers: Orphanet 1454, MedGen C5435651, MONDO:0800103, OMIM 216360, MONDO:0008996.
Meckel syndrome, type 6. Identifiers: Orphanet 564, MedGen C2676790, MONDO:0012848, OMIM 612284.
Joubert syndrome 9 (JBTS9). Identifiers: Orphanet 2318, MedGen C2676788, MONDO:0012849, OMIM 612285.

Allele frequency attached by ClinVar (database versions not stated): ExAC 0.00002; gnomAD exomes 0.00002 and 0.00007; gnomAD 0.00003; TOPMed 0.00003.
gnomAD v4.1: 99 of 1,596,070 alleles (0.0062%); highest among the groups gnomAD compares: Middle Eastern, 0.051%; 1 homozygote.

Submissions (7):

CeGaT Center for Human Genetics Tuebingen
Classification: Uncertain significance. Last evaluated: 2026-02-01. Review status: criteria provided, single submitter. Criteria: CeGaT Center For Human Genetics Tuebingen Variant Classification Criteria Version 2. Collection method: clinical testing. Allele origin: germline. Affected: yes. Observed: 1 variant allele.
Comment: CC2D2A: PM2

Ambry Genetics
Classification: Uncertain significance for Inborn genetic diseases. Last evaluated: 2025-07-02. Review status: criteria provided, single submitter. Criteria: Ambry Variant Classification Scheme 2023. Collection method: clinical testing. Allele origin: germline.

Labcorp Genetics (formerly Invitae), Labcorp
Classification: Uncertain significance for Joubert syndrome; Meckel-Gruber syndrome. Last evaluated: 2024-10-29. Review status: criteria provided, single submitter. Criteria: Invitae Variant Classification Sherloc (09022015). Collection method: clinical testing. Allele origin: germline.
Comment: This sequence change replaces glutamic acid, which is acidic and polar, with lysine, which is basic and polar, at codon 775 of the CC2D2A protein (p.Glu775Lys). This variant is present in population databases (rs751808973, gnomAD 0.004%). This variant has not been reported in the literature in individuals affected with CC2D2A-related conditions. ClinVar contains an entry for this variant (Variation ID: 634449). Invitae Evidence Modeling of protein sequence and biophysical properties (such as structural, functional, and spatial information, amino acid conservation, physicochemical variation, residue mobility, and thermodynamic stability) has been performed for this missense variant. However, the output from this modeling did not meet the statistical confidence thresholds required to predict the impact of this variant on CC2D2A protein function. In summary, the available evidence is currently insufficient to determine the role of this variant in disease. Therefore, it has been classified as a Variant of Uncertain Significance.

Blueprint Genetics
Classification: Uncertain significance. Last evaluated: 2024-09-10. Review status: criteria provided, single submitter. Criteria: ACMG Guidelines, 2015. Collection method: clinical testing. Allele origin: germline.

Genomic Research Center, Shahid Beheshti University of Medical Sciences
Classification: Uncertain significance for COACH syndrome. Last evaluated: 2019-01-01. Review status: criteria provided, single submitter. Criteria: ACMG Guidelines, 2015. Collection method: clinical testing. Allele origin: unknown. Affected: no. Observed: 1 variant allele.

Genomic Research Center, Shahid Beheshti University of Medical Sciences
Classification: Uncertain significance for Joubert syndrome 9. Last evaluated: 2019-01-01. Review status: criteria provided, single submitter. Criteria: ACMG Guidelines, 2015. Collection method: clinical testing. Allele origin: unknown. Affected: no. Observed: 1 variant allele.

Genomic Research Center, Shahid Beheshti University of Medical Sciences
Classification: Uncertain significance for Meckel syndrome type 6. Last evaluated: 2019-01-01. Review status: criteria provided, single submitter. Criteria: ACMG Guidelines, 2015. Collection method: clinical testing. Allele origin: unknown. Affected: no. Observed: 1 variant allele.

NM_001378615.1(CC2D2A):c.2323G>A (p.Glu775Lys)

Genes: CC2D2A (coiled-coil and C2 domain containing 2A; plus strand), FBXL5 (F-box and leucine rich repeat protein 5; minus strand). Cytogenetic location: 4p15.32.
Variant type: single nucleotide variant.
Coding change: c.2323G>A on transcript NM_001378615.1 (MANE Select); coding-DNA position 2323, G replaced by A.
Protein change: p.Glu775Lys; replaces glutamic acid 775 with lysine.
Molecular consequence: missense variant.
Genome position (GRCh38, 1-based): chr4:15,550,965, G>A. VCF-style: chr4-15550965-G-A. GRCh37 (hg19) VCF-style: chr4-15552588-G-A.
Other names: c.2323G>A, p.Glu775Lys (NM_001080522.2); c.2176G>A, p.Glu726Lys (NM_001378617.1); short protein forms E775K, E726K.
Identifiers: ClinVar variation 634449 (VCV000634449.15), dbSNP rs751808973, ClinGen allele CA2863888.